The following is an entry in ClinVar:

NM_000256.3(MYBPC3):c.2214C>T (p.Val738=)

Gene: MYBPC3 (myosin binding protein C3; minus strand). Cytogenetic location: 11p11.2.
Variant type: single nucleotide variant.
Coding change: c.2214C>T on transcript NM_000256.3 (MANE Select); coding-DNA position 2214, C replaced by T.
Protein change: p.Val738=; no amino-acid change (valine 738 retained).
Molecular consequence: synonymous variant.
Genome position (GRCh38, 1-based): chr11:47,338,614, G>A on the plus strand (C>T on the coding strand, the complement: MYBPC3 is on the minus strand). VCF-style: chr11-47338614-G-A. GRCh37 (hg19) VCF-style: chr11-47360165-G-A.
Identifiers: ClinVar variation 1655605 (VCV001655605.9), dbSNP rs777613325, ClinGen allele CA078593.

ClinVar aggregate classification (germline): Likely benign. Review status: criteria provided, multiple submitters, no conflicts (2 of 4 stars). 2 submissions from 2 submitters: Likely benign (2). Last evaluated 2025-03-03.

Conditions:
Hypertrophic cardiomyopathy. Also called: HYPERTROPHIC MYOCARDIOPATHY. Identifiers: Orphanet 217569, MedGen C0007194, MeSH D002312, MONDO:0005045, HP:0001639.

Allele frequency attached by ClinVar (database versions not stated): ExAC 0.00001; gnomAD 0.00001; gnomAD exomes 0.00002.
gnomAD v4.1: 28 of 1,613,806 alleles (0.0017%); highest among the groups gnomAD compares: Admixed American, 0.005%; no homozygotes.

Submissions (2):

Labcorp Genetics (formerly Invitae), Labcorp
Classification: Likely benign for Hypertrophic cardiomyopathy. Last evaluated: 2025-03-03. Review status: criteria provided, single submitter. Criteria: Invitae Variant Classification Sherloc (09022015). Collection method: clinical testing. Allele origin: germline.

All of Us Research Program, National Institutes of Health
Classification: Likely benign for Hypertrophic cardiomyopathy. Last evaluated: 2023-10-06. Review status: criteria provided, single submitter. Criteria: ACMG Guidelines, 2015. Collection method: clinical testing. Allele origin: germline. Inheritance: Autosomal dominant inheritance. Observed: 1 variant allele, 1 heterozygote.
Comment: This study involves interpretation of variants in research participants for the purpose of population health screening. Participant phenotype was not available at the time of variant classification. Additional details can be found in publication PMID: 35346344, PMCID: PMC8962531